The following is an entry in ClinVar:

ClinVar aggregate classification (germline): Uncertain significance (1 of 4 stars; one submission).

Submission:

Women's Health and Genetics/Laboratory Corporation of America, LabCorp
Classification: Uncertain significance. Last evaluated: 2017-06-26. Review status: criteria provided, single submitter. Criteria: LabCorp Variant Classification Summary - May 2015. Collection method: clinical testing. Allele origin: germline.
Comment: Variant summary: The CTSA c.683_685delCCT (p.Ser228del) variant causes an in-frame deletion. This variant is absent in 121358 control chromosomes. The variant of interest has not, to our knowledge, been reported in affected individuals via publications and/or reputable databases/clinical diagnostic laboratories; nor evaluated for functional impact by in vivo/vitro studies. Because of the absence of clinical information and the lack of functional studies, the variant is classified as a "Variant of Uncertain Significance (VUS), until additional information becomes available.

NM_000308.4(CTSA):c.626CCT[1] (p.Ser210del)

Gene: CTSA (cathepsin A; plus strand). Cytogenetic location: 20q13.12.
Variant type: Microsatellite.
Coding change: c.626CCT[1] on transcript NM_000308.4 (MANE Select); one copy of the 3-base unit CCT starting at c.626; the reference has two copies in a row; one copy, 3 bases deleted.
Protein change: p.Ser210del; deletes serine 210.
Molecular consequence: inframe deletion. On other transcripts: non-coding transcript variant (1).
Genome position (GRCh38, 1-based): chr20:45,893,248-45,893,250, CCT deleted; deleting any 3 consecutive bases within chr20:45,893,243-45,893,250 gives the same sequence; the position shown is the placement nearest the transcript's 3' end. VCF-style (leftmost placement, unchanged base first): chr20-45893242-TCTC-T. GRCh37 (hg19) VCF-style: chr20-44521881-TCTC-T.
Other names: c.626CCT[1], p.Ser210del (NM_001127695.3); c.575CCT[1], p.Ser193del (NM_001167594.3); short protein forms S210del, S193del.
Identifiers: ClinVar variation 495802 (VCV000495802.2), dbSNP rs1555832780, ClinGen allele CA658684239.